The following is an entry in ClinVar:

ClinVar aggregate classification (germline): Pathogenic (1 of 4 stars; one submission).

Submission:

Quest Diagnostics Nichols Institute San Juan Capistrano
Classification: Pathogenic. Last evaluated: 2023-03-22. Review status: criteria provided, single submitter. Criteria: ACMG/ClinGen CNV Guidelines, 2019. Collection method: clinical testing. Allele origin: unknown.
Comment: This copy number loss of Xp21.1 involves one exon (exon 45; NM_004006.3) of the DMD gene (OMIM 300377). Pathogenic sequence and copy number variants in DMD are associated with a spectrum of muscle diseases known as the dystrophinopathies; Duchenne Muscular Dystrophy (DMD; OMIM 310200), Becker Muscular Dystrophy (BMD; OMIM 300376), and dilated cardiomyopathy 3B (CMD3B; OMIM 302045). Reference: Darras et al. Dystrophinopathies. 2000 Sep 5 [Updated 2022 Jan 20]. GeneReviews.

GRCh37/hg19 Xp21.1(chrX:31959958-31987608)x0

Gene: DMD (dystrophin; minus strand). Cytogenetic location: Xp21.1.
Variant type: copy number loss.
Change: copy number 0 of chrX:31,959,958-31,987,608 (27.7 kb, GRCh37 coordinates, 1-based), cytogenetic band Xp21.1.
Identifiers: ClinVar variation 2684841 (VCV002684841.1).